The following is an entry in ClinVar:

NM_000179.3(MSH6):c.3217C>A (p.Pro1073Thr)

Gene: MSH6 (mutS homolog 6; plus strand). Cytogenetic location: 2p16.3.
Variant type: single nucleotide variant.
Coding change: c.3217C>A on transcript NM_000179.3 (MANE Select); coding-DNA position 3217, C replaced by A.
Protein change: p.Pro1073Thr; replaces proline 1073 with threonine.
Molecular consequence: missense variant.
Genome position (GRCh38, 1-based): chr2:47,803,464, C>A. VCF-style: chr2-47803464-C-A. GRCh37 (hg19) VCF-style: chr2-48030603-C-A.
Other names: c.2827C>A, p.Pro943Thr (NM_001281492.2); c.2311C>A, p.Pro771Thr (NM_001281493.2, NM_001281494.2); short protein forms P1073T, P943T, P771T.
Identifiers: ClinVar variation 839669 (VCV000839669.10), dbSNP rs142254875, ClinGen allele CA346757966.

ClinVar aggregate classification (germline): Uncertain significance (1 of 4 stars; one submission).

Conditions:
Hereditary nonpolyposis colorectal neoplasms. Identifiers: MedGen C0009405, MeSH D003123.

Submission:

Labcorp Genetics (formerly Invitae), Labcorp
Classification: Uncertain significance for Hereditary nonpolyposis colorectal neoplasms. Last evaluated: 2019-01-22. Review status: criteria provided, single submitter. Criteria: Invitae Variant Classification Sherloc (09022015). Collection method: clinical testing. Allele origin: germline.
Comment: In summary, the available evidence is currently insufficient to determine the role of this variant in disease. Therefore, it has been classified as a Variant of Uncertain Significance. Algorithms developed to predict the effect of missense changes on protein structure and function are either unavailable or do not agree on the potential impact of this missense change (SIFT: "Tolerated"; PolyPhen-2: "Possibly Damaging"; Align-GVGD: "Class C0"). This variant has not been reported in the literature in individuals with MSH6-related conditions. This variant is not present in population databases (ExAC no frequency). This sequence change replaces proline with threonine at codon 1073 of the MSH6 protein (p.Pro1073Thr). The proline residue is weakly conserved and there is a small physicochemical difference between proline and threonine.